The following is an entry in ClinVar:

ClinVar aggregate classification (germline): Conflicting classifications of pathogenicity. Review status: criteria provided, conflicting classifications (1 of 4 stars). 9 submissions from 9 submitters: Uncertain significance (7); Likely benign (2). Last evaluated 2026-01-01.

Conditions:
Macrothrombocytopenia, isolated, 2, autosomal dominant (MACTHC2). Identifiers: MedGen C5676968, MONDO:0030827, OMIM 619840.
TUBA8-related disorder. Also called: TUBA8-related condition.
Polymicrogyria with optic nerve hypoplasia. Identifiers: Orphanet 250972, MedGen C2750798, MONDO:0013172.

Allele frequency attached by ClinVar (database versions not stated): gnomAD 0.00019; ESP Exome Variant Server 0.00023; TOPMed 0.00028; 1000 Genomes Project 30x 0.00031; gnomAD exomes 0.00033; 1000 Genomes Project 0.00040; ExAC 0.00043.
gnomAD v4.1: 519 of 1,613,272 alleles (0.032%); highest among the groups gnomAD compares: Middle Eastern, 0.13%; 1 homozygote.

Submissions (9):

CeGaT Center for Human Genetics Tuebingen
Classification: Likely benign. Last evaluated: 2026-01-01. Review status: criteria provided, single submitter. Criteria: CeGaT Center For Human Genetics Tuebingen Variant Classification Criteria Version 2. Collection method: clinical testing. Allele origin: germline. Affected: yes. Observed: 2 variant alleles.
Comment: TUBA8: PP3, BS2

Labcorp Genetics (formerly Invitae), Labcorp
Classification: Uncertain significance. Last evaluated: 2026-01-01. Review status: criteria provided, single submitter. Criteria: Invitae Variant Classification Sherloc (09022015). Collection method: clinical testing. Allele origin: germline.
Comment: This sequence change replaces valine, which is neutral and non-polar, with methionine, which is neutral and non-polar, at codon 323 of the TUBA8 protein (p.Val323Met). This variant is present in population databases (rs151102020, gnomAD 0.05%), and has an allele count higher than expected for a pathogenic variant. This variant has not been reported in the literature in individuals affected with TUBA8-related conditions. ClinVar contains an entry for this variant (Variation ID: 425280). Invitae Evidence Modeling of protein sequence and biophysical properties (such as structural, functional, and spatial information, amino acid conservation, physicochemical variation, residue mobility, and thermodynamic stability) indicates that this missense variant is not expected to disrupt TUBA8 protein function with a negative predictive value of 80%. In summary, the available evidence is currently insufficient to determine the role of this variant in disease. Therefore, it has been classified as a Variant of Uncertain Significance.

Blueprint Genetics
Classification: Uncertain significance. Last evaluated: 2024-11-22. Review status: criteria provided, single submitter. Criteria: ACMG Guidelines, 2015. Collection method: clinical testing. Allele origin: germline.

PreventionGenetics, part of Exact Sciences
Classification: Likely benign for TUBA8-related condition. Last evaluated: 2024-10-10. Review status: criteria provided, single submitter. Criteria: ACMG Guidelines, 2015. Collection method: clinical testing. Allele origin: germline.
Comment: This variant is classified as likely benign based on ACMG/AMP sequence variant interpretation guidelines (Richards et al. 2015 PMID: 25741868, with internal and published modifications).

Mayo Clinic Laboratories, Mayo Clinic
Classification: Uncertain significance. Last evaluated: 2022-07-11. Review status: criteria provided, single submitter. Criteria: ACMG Guidelines, 2015. Collection method: clinical testing. Allele origin: germline. Observed: 1 variant allele.

Fulgent Genetics
Classification: Uncertain significance for Macrothrombocytopenia, isolated, 2, autosomal dominant. Last evaluated: 2022-04-04. Review status: criteria provided, single submitter. Criteria: ACMG Guidelines, 2015. Collection method: clinical testing. Allele origin: unknown.

Baylor Genetics
Classification: Uncertain significance for CEDNIK syndrome. Last evaluated: 2018-08-17. Review status: criteria provided, single submitter. Criteria: ACMG Guidelines, 2015. Collection method: clinical testing. Allele origin: maternal. Affected: yes.
Comment: This variant was determined to be of uncertain significance according to ACMG Guidelines, 2015 [PMID:25741868].

Genetic Services Laboratory, University of Chicago
Classification: Uncertain significance. Last evaluated: 2015-10-28. Review status: criteria provided, single submitter. Criteria: ACMG Guidelines, 2015. Collection method: clinical testing. Allele origin: germline. Affected: no.

Breakthrough Genomics
Classification: Uncertain significance. Review status: criteria provided, single submitter. Criteria: ACMG Guidelines, 2015. Collection method: not provided. Allele origin: germline. Inheritance: Autosomal dominant inheritance. Affected: yes.

NM_018943.3(TUBA8):c.967G>A (p.Val323Met)

Gene: TUBA8 (tubulin alpha 8; plus strand). Cytogenetic location: 22q11.21.
Variant type: single nucleotide variant.
Coding change: c.967G>A on transcript NM_018943.3 (MANE Select); coding-DNA position 967, G replaced by A.
Protein change: p.Val323Met; replaces valine 323 with methionine.
Molecular consequence: missense variant.
Genome position (GRCh38, 1-based): chr22:18,126,945, G>A. VCF-style: chr22-18126945-G-A. GRCh37 (hg19) VCF-style: chr22-18609712-G-A.
Other names: p.Val323Met; c.769G>A, p.Val257Met (NM_001193414.2); short protein forms V323M, V257M.
Identifiers: ClinVar variation 425280 (VCV000425280.59), dbSNP rs151102020, ClinGen allele CA10093799.